The following is an entry in ClinVar:

NM_130468.4(CHST14):c.592G>A (p.Glu198Lys)

Gene: CHST14 (carbohydrate sulfotransferase 14; plus strand). Cytogenetic location: 15q15.1.
Variant type: single nucleotide variant.
Coding change: c.592G>A on transcript NM_130468.4 (MANE Select); coding-DNA position 592, G replaced by A.
Protein change: p.Glu198Lys; replaces glutamic acid 198 with lysine.
Molecular consequence: missense variant.
Genome position (GRCh38, 1-based): chr15:40,471,805, G>A. VCF-style: chr15-40471805-G-A. GRCh37 (hg19) VCF-style: chr15-40764004-G-A.
Other names: c.592G>A (NM_130468.3); short protein forms E198K.
Identifiers: ClinVar variation 1026315 (VCV001026315.8), dbSNP rs781430388, ClinGen allele CA7481617.

ClinVar aggregate classification (germline): Uncertain significance. Review status: criteria provided, multiple submitters, no conflicts (2 of 4 stars). 2 submissions from 2 submitters: Uncertain significance (2). Last evaluated 2025-08-02.

Conditions:
Cardiovascular phenotype. Identifiers: MedGen CN230736.
Ehlers-Danlos syndrome, musculocontractural type (EDSMC). Also called: Adducted thumb, clubfoot, progressive joint and skin laxity syndrome; ARTHROGRYPOSIS, DISTAL, WITH PECULIAR FACIES AND HYDRONEPHROSIS; ADDUCTED THUMB-CLUBFOOT SYNDROME; DUNDAR SYNDROME. Identifiers: Orphanet 2953, MedGen C1866294, MONDO:0011142.

Allele frequency attached by ClinVar (database versions not stated): gnomAD exomes 0.00001 and 0.00002; ExAC 0.00002; TOPMed 0.00002.

Submissions (2):

Ambry Genetics
Classification: Uncertain significance for Cardiovascular phenotype. Last evaluated: 2025-08-02. Review status: criteria provided, single submitter. Criteria: Ambry Variant Classification Scheme 2023. Collection method: clinical testing. Allele origin: germline.

Labcorp Genetics (formerly Invitae), Labcorp
Classification: Uncertain significance for Ehlers-Danlos syndrome, musculocontractural type. Last evaluated: 2022-02-03. Review status: criteria provided, single submitter. Criteria: Invitae Variant Classification Sherloc (09022015). Collection method: clinical testing. Allele origin: germline.
Comment: In summary, the available evidence is currently insufficient to determine the role of this variant in disease. Therefore, it has been classified as a Variant of Uncertain Significance. Algorithms developed to predict the effect of missense changes on protein structure and function (SIFT, PolyPhen-2, Align-GVGD) all suggest that this variant is likely to be disruptive. ClinVar contains an entry for this variant (Variation ID: 1026315). This variant has not been reported in the literature in individuals affected with CHST14-related conditions. This variant is present in population databases (rs781430388, gnomAD 0.02%). This sequence change replaces glutamic acid, which is acidic and polar, with lysine, which is basic and polar, at codon 198 of the CHST14 protein (p.Glu198Lys).